The following is an entry in ClinVar:

NM_018127.7(ELAC2):c.1645G>A (p.Ala549Thr)

Gene: ELAC2 (elaC ribonuclease Z 2; minus strand). Cytogenetic location: 17p12.
Variant type: single nucleotide variant.
Coding change: c.1645G>A on transcript NM_018127.7 (MANE Select); coding-DNA position 1645, G replaced by A.
Protein change: p.Ala549Thr; replaces alanine 549 with threonine.
Molecular consequence: missense variant.
Genome position (GRCh38, 1-based): chr17:12,996,561, C>T on the plus strand (G>A on the coding strand, the complement: ELAC2 is on the minus strand). VCF-style: chr17-12996561-C-T. GRCh37 (hg19) VCF-style: chr17-12899878-C-T.
Other names: c.1525G>A, p.Ala509Thr (NM_001165962.2); c.1642G>A, p.Ala548Thr (NM_173717.2); short protein forms A549T, A509T, A548T.
Identifiers: ClinVar variation 474561 (VCV000474561.5), dbSNP rs757284769, ClinGen allele CA8401135.

ClinVar aggregate classification (germline): Uncertain significance. Review status: criteria provided, multiple submitters, no conflicts (2 of 4 stars). 2 submissions from 2 submitters: Uncertain significance (2). Last evaluated 2023-12-27.

Conditions:
Inborn genetic diseases. Identifiers: MedGen C0950123, MeSH D030342.
Combined oxidative phosphorylation defect type 17. Also called: Combined oxidative phosphorylation deficiency 17. Identifiers: Orphanet 369913, MedGen C3809526, MONDO:0014190, OMIM 615440.

Allele frequency attached by ClinVar (database versions not stated): ExAC 0.00001; gnomAD exomes 0.00001 and 0.00002; gnomAD 0.00002; TOPMed 0.00006.

Submissions (2):

Labcorp Genetics (formerly Invitae), Labcorp
Classification: Uncertain significance for Combined oxidative phosphorylation defect type 17. Last evaluated: 2023-12-27. Review status: criteria provided, single submitter. Criteria: Invitae Variant Classification Sherloc (09022015). Collection method: clinical testing. Allele origin: germline.
Comment: This sequence change replaces alanine, which is neutral and non-polar, with threonine, which is neutral and polar, at codon 549 of the ELAC2 protein (p.Ala549Thr). This variant is present in population databases (rs757284769, gnomAD 0.01%). This variant has not been reported in the literature in individuals affected with ELAC2-related conditions. ClinVar contains an entry for this variant (Variation ID: 474561). Advanced modeling of protein sequence and biophysical properties (such as structural, functional, and spatial information, amino acid conservation, physicochemical variation, residue mobility, and thermodynamic stability) performed at Invitae indicates that this missense variant is not expected to disrupt ELAC2 protein function with a negative predictive value of 80%. In summary, the available evidence is currently insufficient to determine the role of this variant in disease. Therefore, it has been classified as a Variant of Uncertain Significance.

Ambry Genetics
Classification: Uncertain significance for Inborn genetic diseases. Last evaluated: 2021-05-27. Review status: criteria provided, single submitter. Criteria: Ambry Variant Classification Scheme 2023. Collection method: clinical testing. Allele origin: germline.